The following is an entry in ClinVar:

ClinVar aggregate classification (germline): Likely pathogenic (1 of 4 stars; one submission).

Submission:

GeneDx
Classification: Likely pathogenic. Last evaluated: 2013-12-30. Review status: criteria provided, single submitter. Criteria: GeneDx Variant Classification (06012015). Collection method: clinical testing. Allele origin: germline. Affected: yes.
Comment: p.Gly1110Glu (GGA>GAA): c.3329 G>A in exon 45 of the COL3A1 gene (NM_000090.3) The G1110E variant in the COL3A1 gene has not been reported as a disease-causing mutation or as a benign polymorphism to our knowledge. The G1110E variant is a non-conservative amino acid substitution as these residues differ in polarity, charge, size and/or other properties and is more likely to impact secondary structure. The G1110E residue is well conserved across species. In silico analysis predicts G1110E is probably damaging to the protein structure/function. Mutations in nearby residues (G1101E, G1104A) have been reported in association with Ehlers-Danlos type IV, further supporting the functional importance of this region of the protein. Furthermore, the G1110E variant was not observed in approximately 6,500 individuals of European and African American ancestry in the NHLBI Exome Sequencing Project, indicating it is not a common benign variant in these populations.In summary, while G1110E is a good candidate for a disease-causing mutation, with the clinical and molecular information available at this time we cannot unequivocally determine the clinical significance of this variant. The variant is found in TAAD panel(s).

NM_000090.4(COL3A1):c.3329G>A (p.Gly1110Glu)

Gene: COL3A1 (collagen type III alpha 1 chain; plus strand). Cytogenetic location: 2q32.2.
Variant type: single nucleotide variant.
Coding change: c.3329G>A on transcript NM_000090.4 (MANE Select); coding-DNA position 3329, G replaced by A.
Protein change: p.Gly1110Glu; replaces glycine 1110 with glutamic acid.
Molecular consequence: missense variant.
Genome position (GRCh38, 1-based): chr2:189,007,573, G>A. VCF-style: chr2-189007573-G-A. GRCh37 (hg19) VCF-style: chr2-189872299-G-A.
Other names: p.G1110E:GGA>GAA; short protein forms G1110E.
Identifiers: ClinVar variation 199743 (VCV000199743.2), dbSNP rs794728055, ClinGen allele CA006327.
Genomic context (GRCh38, chr2:189,007,573, plus strand): 5'-CACGTGGTGACAAAGGTGAAACAGGTGAACGTGGAGCTGCTGGCATCAAAGGACATCGAG[G>A]ATTCCCTGGTAATCCAGGTGCCCCAGGTTCTCCAGTAAGTGCATTCATTTTGTTGGAAAA-3'
Protein context (NP_000081.2, residues 1100-1120): RGAAGIKGHR[Gly1110Glu]FPGNPGAPGS